The following is an entry in ClinVar:

NM_002693.3(POLG):c.1883G>A (p.Arg628Gln)

Gene: POLG (DNA polymerase gamma, catalytic subunit; minus strand). Cytogenetic location: 15q26.1.
Variant type: single nucleotide variant.
Coding change: c.1883G>A on transcript NM_002693.3 (MANE Select); coding-DNA position 1883, G replaced by A.
Protein change: p.Arg628Gln; replaces arginine 628 with glutamine.
Molecular consequence: missense variant.
Genome position (GRCh38, 1-based): chr15:89,325,516, C>T on the plus strand (G>A on the coding strand, the complement: POLG is on the minus strand). VCF-style: chr15-89325516-C-T. GRCh37 (hg19) VCF-style: chr15-89868747-C-T.
Other names: p.R628Q:CGG>CAG; c.1883G>A, p.Arg628Gln (NM_001126131.2); short protein forms R628Q.
Identifiers: ClinVar variation 206502 (VCV000206502.48), dbSNP rs201871736, ClinGen allele CA316650.
Genomic context (GRCh38, chr15:89,325,516, plus strand): 5'-GGGCAGACCACCCCAGCTGACTCCAGGGTGGTACCTGTCGGCAGCTTGGCCAGGTTGTCC[C>T]GCCGCCCAGGCACCAAGTAGCCCCAGCCATGACGCTCTGAGTAGTGCAGAGGGAAGCCAT-3'
Protein context (NP_002684.1, residues 618-638): HGWGYLVPGR[Arg628Gln]DNLAKLPTGT

ClinVar aggregate classification (germline): Uncertain significance. Review status: criteria provided, multiple submitters, no conflicts (2 of 4 stars). 3 submissions from 3 submitters: Uncertain significance (3). Last evaluated 2026-02-03.

Conditions:
Progressive sclerosing poliodystrophy (MTDPS4A). Also called: Mitochondrial DNA depletion syndrome 4A (Alpers type); Mitochondrial DNA Depletion Syndrome 4A; ALPERS PROGRESSIVE INFANTILE POLIODYSTROPHY; Alpers-Huttenlocher Syndrome; Alpers Syndrome; ALPERS DIFFUSE DEGENERATION OF CEREBRAL GRAY MATTER WITH HEPATIC CIRRHOSIS. Identifiers: Orphanet 726, MedGen C0205710, MONDO:0008758, OMIM 203700.

Allele frequency attached by ClinVar (database versions not stated): gnomAD exomes below 0.00001; ExAC 0.00001; gnomAD 0.00001; TOPMed 0.00002.

Submissions (3):

Labcorp Genetics (formerly Invitae), Labcorp
Classification: Uncertain significance for Progressive sclerosing poliodystrophy. Last evaluated: 2026-02-03. Review status: criteria provided, single submitter. Criteria: Invitae Variant Classification Sherloc (09022015). Collection method: clinical testing. Allele origin: germline.
Comment: This sequence change replaces arginine, which is basic and polar, with glutamine, which is neutral and polar, at codon 628 of the POLG protein (p.Arg628Gln). The frequency data for this variant in the population databases is considered unreliable, as metrics indicate poor data quality at this position in the gnomAD database. This variant has not been reported in the literature in individuals affected with POLG-related conditions. ClinVar contains an entry for this variant (Variation ID: 206502). Invitae Evidence Modeling of protein sequence and biophysical properties (such as structural, functional, and spatial information, amino acid conservation, physicochemical variation, residue mobility, and thermodynamic stability) indicates that this missense variant is not expected to disrupt POLG protein function with a negative predictive value of 95%. In summary, the available evidence is currently insufficient to determine the role of this variant in disease. Therefore, it has been classified as a Variant of Uncertain Significance.

GeneDx
Classification: Uncertain significance. Last evaluated: 2025-03-14. Review status: criteria provided, single submitter. Criteria: GeneDx Variant Classification Process June 2021. Collection method: clinical testing. Allele origin: germline. Affected: yes.
Comment: Not observed at significant frequency in large population cohorts (gnomAD); In silico analysis indicates that this missense variant does not alter protein structure/function; Has not been previously published as pathogenic or benign to our knowledge; This variant is associated with the following publications: (PMID: 21074512, 19629138)

CeGaT Center for Human Genetics Tuebingen
Classification: Uncertain significance. Last evaluated: 2020-02-01. Review status: criteria provided, single submitter. Criteria: CeGaT Center For Human Genetics Tuebingen Variant Classification Criteria Version 2. Collection method: clinical testing. Allele origin: germline. Affected: yes. Observed: 1 variant allele.